The following is an entry in ClinVar:

ClinVar aggregate classification (germline): Uncertain significance. Review status: criteria provided, multiple submitters, no conflicts (2 of 4 stars). 3 submissions from 3 submitters: Uncertain significance (3). Last evaluated 2025-04-09.

Conditions:
Cardiovascular phenotype. Identifiers: MedGen CN230736.
Inborn genetic diseases. Identifiers: MedGen C0950123, MeSH D030342.

Allele frequency attached by ClinVar (database versions not stated): ExAC 0.00003; gnomAD 0.00012; gnomAD exomes 0.00001; TOPMed 0.00012; 1000 Genomes Project 0.00040; 1000 Genomes Project 30x 0.00047.
gnomAD v4.1: 28 of 1,614,256 alleles (0.0017%); highest among the groups gnomAD compares: African/African-American, 0.025%; no homozygotes.

Submissions (3):

Molecular Diagnostic Laboratory for Inherited Cardiovascular Disease, Montreal Heart Institute
Classification: Uncertain significance for Cardiovascular phenotype. Last evaluated: 2025-04-09. Review status: criteria provided, single submitter. Criteria: ACMG Guidelines, 2015. Collection method: clinical testing. Allele origin: germline. Affected: yes.
Comment: PM2, PP3

Labcorp Genetics (formerly Invitae), Labcorp
Classification: Uncertain significance. Last evaluated: 2022-08-05. Review status: criteria provided, single submitter. Criteria: Invitae Variant Classification Sherloc (09022015). Collection method: clinical testing. Allele origin: germline.
Comment: This sequence change replaces leucine, which is neutral and non-polar, with valine, which is neutral and non-polar, at codon 118 of the AARS2 protein (p.Leu118Val). In summary, the available evidence is currently insufficient to determine the role of this variant in disease. Therefore, it has been classified as a Variant of Uncertain Significance. Advanced modeling of protein sequence and biophysical properties (such as structural, functional, and spatial information, amino acid conservation, physicochemical variation, residue mobility, and thermodynamic stability) performed at Invitae indicates that this missense variant is expected to disrupt AARS2 protein function. This variant has not been reported in the literature in individuals affected with AARS2-related conditions. This variant is present in population databases (rs186740566, gnomAD 0.03%).

Ambry Genetics
Classification: Uncertain significance for Inborn genetic diseases. Last evaluated: 2021-06-18. Review status: criteria provided, single submitter. Criteria: Ambry Variant Classification Scheme 2023. Collection method: clinical testing. Allele origin: germline.

NM_020745.4(AARS2):c.352C>G (p.Leu118Val)

Gene: AARS2 (alanyl-tRNA synthetase 2, mitochondrial; minus strand). Cytogenetic location: 6p21.1.
Variant type: single nucleotide variant.
Coding change: c.352C>G on transcript NM_020745.4 (MANE Select); coding-DNA position 352, C replaced by G.
Protein change: p.Leu118Val; replaces leucine 118 with valine.
Molecular consequence: missense variant.
Genome position (GRCh38, 1-based): chr6:44,312,155, G>C on the plus strand (C>G on the coding strand, the complement: AARS2 is on the minus strand). VCF-style: chr6-44312155-G-C. GRCh37 (hg19) VCF-style: chr6-44279892-G-C.
Other names: c.352C>G (NM_020745.3); short protein forms L118V.
Identifiers: ClinVar variation 2061432 (VCV002061432.6), dbSNP rs186740566, ClinGen allele CA3834677.